The following is an entry in ClinVar:

ClinVar aggregate classification (germline): Uncertain significance (1 of 4 stars; one submission).

Submission:

CeGaT Center for Human Genetics Tuebingen
Classification: Uncertain significance. Last evaluated: 2026-07-01. Review status: criteria provided, single submitter. Criteria: CeGaT Center For Human Genetics Tuebingen Variant Classification Criteria Version 2. Collection method: clinical testing. Allele origin: germline. Affected: yes. Observed: 1 variant allele.
Comment: ABCA7: PM2, PVS1:Moderate

NM_019112.4(ABCA7):c.5701C>T (p.Gln1901Ter)

Gene: ABCA7 (ATP binding cassette subfamily A member 7; plus strand). Cytogenetic location: 19p13.3.
Variant type: single nucleotide variant.
Coding change: c.5701C>T on transcript NM_019112.4 (MANE Select); coding-DNA position 5701, C replaced by T.
Protein change: p.Gln1901Ter; replaces glutamine 1901 with a stop codon.
Molecular consequence: nonsense.
Genome position (GRCh38, 1-based): chr19:1,062,302, C>T. VCF-style: chr19-1062302-C-T. GRCh37 (hg19) VCF-style: chr19-1062301-C-T.
Other names: short protein forms Q1901*.
Identifiers: ClinVar variation 5040221 (VCV005040221.1).